The following is an entry in ClinVar:

NM_031935.3(HMCN1):c.8221G>A (p.Gly2741Arg)

Gene: HMCN1 (hemicentin 1; plus strand). Cytogenetic location: 1q31.1.
Variant type: single nucleotide variant.
Coding change: c.8221G>A on transcript NM_031935.3 (MANE Select); coding-DNA position 8221, G replaced by A.
Protein change: p.Gly2741Arg; replaces glycine 2741 with arginine.
Molecular consequence: missense variant.
Genome position (GRCh38, 1-based): chr1:186,074,822, G>A. VCF-style: chr1-186074822-G-A. GRCh37 (hg19) VCF-style: chr1-186043954-G-A.
Other names: c.8221G>A (NM_031935.2); short protein forms G2741R.
Identifiers: ClinVar variation 3023008 (VCV003023008.4), dbSNP rs149435109, ClinGen allele CA1293066.

ClinVar aggregate classification (germline): Uncertain significance. Review status: criteria provided, multiple submitters, no conflicts (2 of 4 stars). 2 submissions from 2 submitters: Uncertain significance (2). Last evaluated 2023-12-22.

Allele frequency attached by ClinVar (database versions not stated): gnomAD exomes 0.00002; ExAC 0.00003; gnomAD 0.00003; TOPMed 0.00003; ESP Exome Variant Server 0.00008.
gnomAD v4.1: 41 of 1,612,728 alleles (0.0025%); highest among the groups gnomAD compares: South Asian, 0.011%; no homozygotes.

Submissions (2):

Ambry Genetics
Classification: Uncertain significance. Last evaluated: 2023-12-22. Review status: criteria provided, single submitter. Criteria: Ambry Variant Classification Scheme 2023. Collection method: clinical testing. Allele origin: germline.

Labcorp Genetics (formerly Invitae), Labcorp
Classification: Uncertain significance. Last evaluated: 2022-11-20. Review status: criteria provided, single submitter. Criteria: Invitae Variant Classification Sherloc (09022015). Collection method: clinical testing. Allele origin: germline.
Comment: In summary, the available evidence is currently insufficient to determine the role of this variant in disease. Therefore, it has been classified as a Variant of Uncertain Significance. Algorithms developed to predict the effect of missense changes on protein structure and function (SIFT, PolyPhen-2, Align-GVGD) all suggest that this variant is likely to be disruptive. This variant has not been reported in the literature in individuals affected with HMCN1-related conditions. This variant is present in population databases (rs149435109, gnomAD 0.01%). This sequence change replaces glycine, which is neutral and non-polar, with arginine, which is basic and polar, at codon 2741 of the HMCN1 protein (p.Gly2741Arg).